The following is an entry in ClinVar:

NM_000384.3(APOB):c.3890A>G (p.Glu1297Gly)

Gene: APOB (apolipoprotein B; minus strand). Cytogenetic location: 2p24.1.
Variant type: single nucleotide variant.
Coding change: c.3890A>G on transcript NM_000384.3 (MANE Select); coding-DNA position 3890, A replaced by G.
Protein change: p.Glu1297Gly; replaces glutamic acid 1297 with glycine.
Molecular consequence: missense variant.
Genome position (GRCh38, 1-based): chr2:21,013,486, T>C on the plus strand (A>G on the coding strand, the complement: APOB is on the minus strand). VCF-style: chr2-21013486-T-C. GRCh37 (hg19) VCF-style: chr2-21236358-T-C.
Other names: short protein forms E1297G.
Identifiers: ClinVar variation 5027024 (VCV005027024.1).
Genomic context (GRCh38, chr2:21,013,486, plus strand): 5'-CTAACAGTCTCTAACATCTTTAGATCTCTGGAGGATTTGCCACCAAAAGGCAAAGGAATC[T>C]CAATTTTCAAACTGTTCTTGTTCAAGGTATATTTGACCCGGCCATCGCTGAAATGAACAA-3'
Protein context (NP_000375.3, residues 1287-1307): YTLNKNSLKI[Glu1297Gly]IPLPFGGKSS

ClinVar aggregate classification (germline): Uncertain significance (1 of 4 stars; one submission).

Conditions:
Cardiovascular phenotype. Identifiers: MedGen CN230736.

gnomAD v4.1: 1 of 1,614,076 alleles (0.000062%); highest among the groups gnomAD compares: Non-Finnish European, 0.000085%; no homozygotes.

Submission:

Ambry Genetics
Classification: Uncertain significance for Cardiovascular phenotype. Last evaluated: 2026-07-01. Review status: criteria provided, single submitter. Criteria: Ambry Variant Classification Scheme 2023. Collection method: clinical testing. Allele origin: germline.
Comment: The p.E1297G variant (also known as c.3890A>G), located in coding exon 25 of the APOB gene, results from an A to G substitution at nucleotide position 3890. The glutamic acid at codon 1297 is replaced by glycine, an amino acid with similar properties. This amino acid position is conserved. In addition, this alteration is predicted to be tolerated by in silico analysis. Based on the available evidence, the clinical significance of this variant remains unclear.